The following is an entry in ClinVar:

NM_000548.5(TSC2):c.433G>T (p.Ala145Ser)

Gene: TSC2 (TSC complex subunit 2; plus strand). Cytogenetic location: 16p13.3.
Variant type: single nucleotide variant.
Coding change: c.433G>T on transcript NM_000548.5 (MANE Select); coding-DNA position 433, G replaced by T.
Protein change: p.Ala145Ser; replaces alanine 145 with serine.
Molecular consequence: missense variant. On other transcripts: 5 prime UTR variant (14), non-coding transcript variant (5), intron variant (6).
Genome position (GRCh38, 1-based): chr16:2,054,392, G>T. VCF-style: chr16-2054392-G-T. GRCh37 (hg19) VCF-style: chr16-2104393-G-T.
Other names: c.433G>T, p.Ala145Ser (NM_001363528.2, NM_001370404.1, NM_001370405.1 and 8 more transcripts); c.523G>T, p.Ala175Ser (NM_001406667.1, NM_001406668.1); c.322G>T, p.Ala108Ser (NM_001406670.1, NM_001318827.2, NM_001406678.1); c.-999G>T (NM_001406692.1, NM_001406697.1, NM_001406689.1 and 2 more transcripts); c.-1215G>T (NM_001406693.1); c.-880G>T (NM_001406694.1, NM_001406695.1); c.-987G>T (NM_001406696.1); c.-1175G>T (NM_001406698.1); and 6 more; short protein forms A175S, A156S, A96S, A108S, A145S, A126S.
Identifiers: ClinVar variation 2834478 (VCV002834478.3), dbSNP rs774892845, ClinGen allele CA394307346.

ClinVar aggregate classification (germline): Uncertain significance (1 of 4 stars; one submission).

Conditions:
Tuberous sclerosis 2 (TSC2). Identifiers: Orphanet 805, MedGen C1860707, MONDO:0013199, OMIM 613254.

gnomAD v4.1: 1 of 1,614,230 alleles (0.000062%); highest among the groups gnomAD compares: South Asian, 0.0011%; no homozygotes.

Submission:

Labcorp Genetics (formerly Invitae), Labcorp
Classification: Uncertain significance for Tuberous sclerosis 2. Last evaluated: 2023-02-04. Review status: criteria provided, single submitter. Criteria: Invitae Variant Classification Sherloc (09022015). Collection method: clinical testing. Allele origin: germline.
Comment: This sequence change replaces alanine, which is neutral and non-polar, with serine, which is neutral and polar, at codon 145 of the TSC2 protein (p.Ala145Ser). This variant is not present in population databases (gnomAD no frequency). This variant has not been reported in the literature in individuals affected with TSC2-related conditions. Advanced modeling of protein sequence and biophysical properties (such as structural, functional, and spatial information, amino acid conservation, physicochemical variation, residue mobility, and thermodynamic stability) performed at Invitae indicates that this missense variant is not expected to disrupt TSC2 protein function. In summary, the available evidence is currently insufficient to determine the role of this variant in disease. Therefore, it has been classified as a Variant of Uncertain Significance.